The following is an entry in ClinVar:

ClinVar aggregate classification (germline): Uncertain significance. Review status: reviewed by expert panel (3 of 4 stars). 2 submissions from 2 submitters: Uncertain significance (1). 1 of the submissions does not count toward it. Last evaluated 2024-10-29.

Conditions:
RUNX1-related disorder. Also called: RUNX1-related condition.
Hereditary thrombocytopenia and hematologic cancer predisposition syndrome. Identifiers: Orphanet 71290, MedGen CN281654, MONDO:0011071.

Allele frequency attached by ClinVar (database versions not stated): gnomAD exomes below 0.00001.
gnomAD v4.1: 1 of 1,611,804 alleles (0.000062%); highest among the groups gnomAD compares: Non-Finnish European, 0.000085%; no homozygotes.

Submissions (2):

ClinGen Myeloid Malignancy Variant Curation Expert Panel
Classification: Uncertain significance for Hereditary thrombocytopenia and hematologic cancer predisposition syndrome. Last evaluated: 2024-10-29. Review status: reviewed by expert panel. Criteria: ClinGen MyeloMalig ACMG Specifications v2. Collection method: curation. Allele origin: germline. Inheritance: Autosomal dominant inheritance.
Comment: NM_001754.5(RUNX1):c.509-1G>A is an intronic variant that is predicted to cause skipping of exon 6, resulting in an in-frame deletion affecting amino acids 171-205, including G170 (GGG->GGA), within the Runt Homology Domain (RHD) (PVS1_strong). SpliceAI predicts a high likelihood of impact on splicing, with an Acceptor Gain score of 0.98 and an Acceptor Loss score of 1. This variant is completely absent from all population databases with at least 20x coverage for RUNX1 (PM2_supporting). In summary, the clinical significance of this variant is uncertain. ACMG/AMP criteria applied, as specified by the Myeloid Malignancy Variant Curation Expert Panel for RUNX1: PVS1_strong, PM2_supporting.

PreventionGenetics, part of Exact Sciences
Classification: Likely pathogenic for RUNX1-related condition. Last evaluated: 2024-02-20. Review status: no assertion criteria provided. Collection method: clinical testing. Allele origin: germline. Not counted in ClinVar's aggregate classification.
Comment: The RUNX1 c.509-1G>A variant is predicted to disrupt the AG splice acceptor site and interfere with normal splicing. To our knowledge, this variant has not been reported in the literature or in a large population database, indicating this variant is rare. Variants that disrupt the consensus splice acceptor site in RUNX1 are expected to be pathogenic. This variant is interpreted as likely pathogenic.

NM_001754.5(RUNX1):c.509-1G>A

Genes: RUNX1 (RUNX family transcription factor 1; minus strand), RUNX1-AS1 (RUNX1 antisense RNA 1; plus strand). Cytogenetic location: 21q22.12.
Variant type: single nucleotide variant.
Coding change: c.509-1G>A on transcript NM_001754.5 (MANE Select); the canonical splice acceptor site of the intron before coding-DNA position 509, G replaced by A.
Molecular consequence: splice acceptor variant.
Genome position (GRCh38, 1-based): chr21:34,859,579, C>T on the plus strand (G>A on the coding strand, the complement: RUNX1 is on the minus strand). VCF-style: chr21-34859579-C-T. GRCh37 (hg19) VCF-style: chr21-36231876-C-T.
Other names: c.428-1G>A (NM_001001890.3, NM_001122607.2).
Identifiers: ClinVar variation 3061340 (VCV003061340.3), dbSNP rs2146237033, ClinGen allele CA410208164.
Genomic context (GRCh38, chr21:34,859,579, plus strand): 5'-GGTAGGTGGCGACTTGCGGTGGGTTTGTGAAGACAGTGATGGTCAGAGTGAAGCTTTTCC[C>T]TGTGGGGACACGATAGAGAACAAAACAGAATGAGGTTGGTGGCCTGAACATATCTGTTGA-3'